The following is an entry in ClinVar:

ClinVar aggregate classification (germline): Uncertain significance. Review status: criteria provided, multiple submitters, no conflicts (2 of 4 stars). 2 submissions from 2 submitters: Uncertain significance (2). Last evaluated 2025-10-02.

Allele frequency attached by ClinVar (database versions not stated): gnomAD exomes 0.00001.
gnomAD v4.1: 3 of 1,611,224 alleles (0.00019%); highest among the groups gnomAD compares: Admixed American, 0.0034%; no homozygotes.

Submissions (2):

Labcorp Genetics (formerly Invitae), Labcorp
Classification: Uncertain significance. Last evaluated: 2025-10-02. Review status: criteria provided, single submitter. Criteria: Invitae Variant Classification Sherloc (09022015). Collection method: clinical testing. Allele origin: germline.
Comment: This sequence change replaces alanine, which is neutral and non-polar, with serine, which is neutral and polar, at codon 34 of the SETBP1 protein (p.Ala34Ser). This variant is present in population databases (no rsID available, gnomAD 0.006%). This variant has not been reported in the literature in individuals affected with SETBP1-related conditions. ClinVar contains an entry for this variant (Variation ID: 1712223). An algorithm developed to predict the effect of missense changes on protein structure and function outputs the following: PolyPhen-2: "Benign". The serine amino acid residue is found in multiple mammalian species, which suggests that this missense change does not adversely affect protein function. In summary, the available evidence is currently insufficient to determine the role of this variant in disease. Therefore, it has been classified as a Variant of Uncertain Significance.

GeneDx
Classification: Uncertain significance. Last evaluated: 2022-04-19. Review status: criteria provided, single submitter. Criteria: GeneDx Variant Classification Process June 2021. Collection method: clinical testing. Allele origin: germline. Affected: yes.
Comment: In silico analysis supports that this missense variant does not alter protein structure/function; Has not been previously published as pathogenic or benign to our knowledge

NM_015559.3(SETBP1):c.100G>T (p.Ala34Ser)

Gene: SETBP1 (SET binding protein 1; plus strand). Cytogenetic location: 18q12.3.
Variant type: single nucleotide variant.
Coding change: c.100G>T on transcript NM_015559.3 (MANE Select); coding-DNA position 100, G replaced by T.
Protein change: p.Ala34Ser; replaces alanine 34 with serine.
Molecular consequence: missense variant.
Genome position (GRCh38, 1-based): chr18:44,701,446, G>T. VCF-style: chr18-44701446-G-T. GRCh37 (hg19) VCF-style: chr18-42281411-G-T.
Other names: c.100G>T, p.Ala34Ser (NM_001130110.2, NM_001379141.1, NM_001379142.1 and 1 more transcripts); short protein forms A34S.
Identifiers: ClinVar variation 1712223 (VCV001712223.5), dbSNP rs1234829999, ClinGen allele CA402481437.